The following is an entry in ClinVar:

NM_000387.6(SLC25A20):c.-12G>A

Gene: SLC25A20 (solute carrier family 25 member 20; minus strand). Cytogenetic location: 3p21.31.
Variant type: single nucleotide variant.
Coding change: c.-12G>A on transcript NM_000387.6 (MANE Select); 12 bases upstream of the start codon, G replaced by A.
Molecular consequence: 5 prime UTR variant.
Genome position (GRCh38, 1-based): chr3:48,898,806, C>T on the plus strand (G>A on the coding strand, the complement: SLC25A20 is on the minus strand). VCF-style: chr3-48898806-C-T. GRCh37 (hg19) VCF-style: chr3-48936239-C-T.
Identifiers: ClinVar variation 345946 (VCV000345946.6), dbSNP rs542582794, ClinGen allele CA2387540.

ClinVar aggregate classification (germline): Likely benign. Review status: criteria provided, multiple submitters, no conflicts (2 of 4 stars). 3 submissions from 3 submitters: Likely benign (3). Last evaluated 2024-05-14.

Conditions:
Carnitine acylcarnitine translocase deficiency (CACTD). Identifiers: Orphanet 159, MedGen C0342791, MONDO:0008918, OMIM 212138.

Allele frequency attached by ClinVar (database versions not stated): gnomAD 0.00001 and 0.00013; TOPMed 0.00004; gnomAD exomes 0.00025 and 0.00062; 1000 Genomes Project 30x 0.00078; 1000 Genomes Project 0.00080; ExAC 0.00170.
gnomAD v4.1: 365 of 1,556,218 alleles (0.023%); highest among the groups gnomAD compares: South Asian, 0.42%; 2 homozygotes.

Submissions (3):

Blueprint Genetics
Classification: Likely benign. Last evaluated: 2024-05-14. Review status: criteria provided, single submitter. Criteria: ACMG Guidelines, 2015. Collection method: clinical testing. Allele origin: germline.

Illumina Laboratory Services, Illumina
Classification: Likely benign for Carnitine acylcarnitine translocase deficiency. Last evaluated: 2018-01-13. Review status: criteria provided, single submitter. Criteria: ICSL Variant Classification Criteria 13 December 2019. Collection method: clinical testing. Allele origin: germline.
Comment: This variant was observed in the ICSL laboratory as part of a predisposition screen in an ostensibly healthy population. It had not been previously curated by ICSL or reported in the Human Gene Mutation Database (HGMD: prior to June 1st, 2018), and was therefore a candidate for classification through an automated scoring system. Utilizing variant allele frequency, disease prevalence and penetrance estimates, and inheritance mode, an automated score was calculated to assess if this variant is too frequent to cause the disease. Based on the score and internal cut-off values, a variant classified as likely benign is not then subjected to further curation. The score for this variant resulted in a classification of likely benign for this disease.

GeneDx
Classification: Likely benign. Last evaluated: 2017-12-04. Review status: criteria provided, single submitter. Criteria: GeneDx Variant Classification (06012015). Collection method: clinical testing. Allele origin: germline. Affected: yes.
Comment: This variant is considered likely benign or benign based on one or more of the following criteria: it is a conservative change, it occurs at a poorly conserved position in the protein, it is predicted to be benign by multiple in silico algorithms, and/or has population frequency not consistent with disease.